The following is an entry in ClinVar:

NM_001127644.2(GABRA1):c.365G>A (p.Trp122Ter)

Gene: GABRA1 (gamma-aminobutyric acid type A receptor subunit alpha1; plus strand). Cytogenetic location: 5q34.
Variant type: single nucleotide variant.
Coding change: c.365G>A on transcript NM_001127644.2 (MANE Select); coding-DNA position 365, G replaced by A.
Protein change: p.Trp122Ter; replaces tryptophan 122 with a stop codon.
Molecular consequence: nonsense.
Genome position (GRCh38, 1-based): chr5:161,873,226, G>A. VCF-style: chr5-161873226-G-A. GRCh37 (hg19) VCF-style: chr5-161300232-G-A.
Other names: c.365G>A, p.Trp122Ter (NM_000806.5, NM_001127643.2, NM_001127645.2 and 1 more transcripts); short protein forms W122*.
Identifiers: ClinVar variation 2922377 (VCV002922377.3), dbSNP rs2532239421, ClinGen allele CA362178912.

ClinVar aggregate classification (germline): Pathogenic (1 of 4 stars; one submission).

Conditions:
Idiopathic generalized epilepsy. Also called: Generalised epilepsy; EIG. Identifiers: MedGen C0270850, MONDO:0005579, OMIM 600669.
Epilepsy, idiopathic generalized, susceptibility to, 13. Also called: EPILEPSY, JUVENILE MYOCLONIC, SUSCEPTIBILITY TO, 5. Identifiers: Orphanet 307, Orphanet 64280, MedGen C4013473, MONDO:0012627, OMIM 611136.
Epilepsy, childhood absence 4 (ECA4). Also called: EPILEPSY, CHILDHOOD ABSENCE, SUSCEPTIBILITY TO, 4. Identifiers: Orphanet 307, MedGen C1970160.

Submission:

Labcorp Genetics (formerly Invitae), Labcorp
Classification: Pathogenic for Epilepsy, childhood absence 4; Epilepsy, idiopathic generalized, susceptibility to, 13; Idiopathic generalized epilepsy. Last evaluated: 2024-05-15. Review status: criteria provided, single submitter. Criteria: Invitae Variant Classification Sherloc (09022015). Collection method: clinical testing. Allele origin: germline.
Comment: This sequence change creates a premature translational stop signal (p.Trp122*) in the GABRA1 gene. It is expected to result in an absent or disrupted protein product. Loss-of-function variants in GABRA1 are known to be pathogenic (PMID: 16718694). This variant is not present in population databases (gnomAD no frequency). This variant has not been reported in the literature in individuals affected with GABRA1-related conditions. For these reasons, this variant has been classified as Pathogenic.

Literature cited by the submitters: PubMed 16718694.